The following is an entry in ClinVar:

NM_000038.6(APC):c.5299G>A (p.Gly1767Ser)

Gene: APC (APC regulator of Wnt signaling pathway; plus strand). Cytogenetic location: 5q22.2.
Variant type: single nucleotide variant.
Coding change: c.5299G>A on transcript NM_000038.6 (MANE Select); coding-DNA position 5299, G replaced by A.
Protein change: p.Gly1767Ser; replaces glycine 1767 with serine.
Molecular consequence: missense variant.
Genome position (GRCh38, 1-based): chr5:112,840,893, G>A. VCF-style: chr5-112840893-G-A. GRCh37 (hg19) VCF-style: chr5-112176590-G-A.
Other names: c.5299G>A, p.Gly1767Ser (NM_001127510.3, NM_001354895.2, NM_001407450.1); c.5245G>A, p.Gly1749Ser (NM_001127511.3); c.5353G>A, p.Gly1785Ser (NM_001354896.2, NM_001407447.1, NM_001407448.1 and 1 more transcripts); c.5329G>A, p.Gly1777Ser (NM_001354897.2); c.5224G>A, p.Gly1742Ser (NM_001354898.2); c.5215G>A, p.Gly1739Ser (NM_001354899.2); c.5176G>A, p.Gly1726Ser (NM_001354900.2); c.5122G>A, p.Gly1708Ser (NM_001354901.2, NM_001407453.1); and 11 more; short protein forms G1383S, G1666S, G1684S, G1749S, G1607S, G1638S, G1757S, G1795S.
Identifiers: ClinVar variation 1746664 (VCV001746664.3), dbSNP rs1554086616, ClinGen allele CA16032915.

ClinVar aggregate classification (germline): Uncertain significance (1 of 4 stars; one submission).

Conditions:
Hereditary cancer-predisposing syndrome. Also called: Hereditary Cancer Syndrome; Neoplastic Syndromes, Hereditary; Tumor predisposition; Hereditary neoplastic syndrome. Identifiers: Orphanet 140162, MedGen C0027672, MeSH D009386, MONDO:0015356.

Allele frequency attached by ClinVar (database versions not stated): gnomAD 0.00001.
gnomAD v4.1: 1 of 1,613,630 alleles (0.000062%); highest among the groups gnomAD compares: African/African-American, 0.0013%; no homozygotes.

Submission:

Ambry Genetics
Classification: Uncertain significance for Hereditary cancer-predisposing syndrome. Last evaluated: 2025-11-12. Review status: criteria provided, single submitter. Criteria: Ambry Variant Classification Scheme 2023. Collection method: clinical testing. Allele origin: germline.
Comment: The p.G1767S variant (also known as c.5299G>A), located in coding exon 15 of the APC gene, results from a G to A substitution at nucleotide position 5299. The glycine at codon 1767 is replaced by serine, an amino acid with similar properties. This amino acid position is not well conserved in available vertebrate species. In addition, in silico predictors for this gene do not accurately predict pathogenicity. Missense variants in APC are not a common cause of disease (Spier I et al. Genet Med. 2024 Feb;26(2):100992). Based on the available evidence, the clinical significance of this variant remains unclear.